The following is an entry in ClinVar:

ClinVar aggregate classification (germline): Pathogenic (1 of 4 stars; one submission).

Conditions:
Cerebral cavernous malformation (CCM). Also called: CAVERNOUS ANGIOMATOUS MALFORMATIONS; CEREBRAL CAPILLARY MALFORMATIONS; Cerebral cavernous malformations; Cerebral cavernous hemangioma (type); CAVERNOUS ANGIOMA, FAMILIAL; Cavernous Hemangioma of Brain. Identifiers: Orphanet 221061, MedGen C2919945, MONDO:0000820, OMIM 116860, HP:0033522.

Submission:

Labcorp Genetics (formerly Invitae), Labcorp
Classification: Pathogenic for Cerebral cavernous malformation. Last evaluated: 2021-04-03. Review status: criteria provided, single submitter. Criteria: Invitae Variant Classification Sherloc (09022015). Collection method: clinical testing. Allele origin: germline.
Comment: For these reasons, this variant has been classified as Pathogenic. This variant has not been reported in the literature in individuals with KRIT1-related conditions. This variant is not present in population databases (ExAC no frequency). This sequence change creates a premature translational stop signal (p.Arg382Ilefs*2) in the KRIT1 gene. It is expected to result in an absent or disrupted protein product. Loss-of-function variants in KRIT1 are known to be pathogenic (PMID: 10508515, 11222804, 12404106, 24689081).

Literature cited by the submitters: PubMed 10508515; PubMed 11222804; PubMed 12404106; PubMed 24689081.

NM_194454.3(KRIT1):c.1140_1143del (p.Arg382fs)

Gene: KRIT1 (KRIT1 ankyrin repeat containing; minus strand). Cytogenetic location: 7q21.2.
Variant type: Deletion.
Coding change: c.1140_1143del on transcript NM_194454.3 (MANE Select); coding-DNA positions 1140 to 1143, 4 bases deleted (GGAT; older notation c.1140_1143delGGAT).
Protein change: p.Arg382fs; shifts the reading frame from arginine 382.
Molecular consequence: frameshift variant.
Genome position (GRCh38, 1-based): chr7:92,226,529-92,226,532, ATCC deleted on the plus strand (GGAT on the coding strand, the reverse complement: KRIT1 is on the minus strand). VCF-style (leftmost placement, unchanged base first): chr7-92226528-TATCC-T. GRCh37 (hg19) VCF-style: chr7-91855842-TATCC-T.
Other names: c.996_999del, p.Arg334fs (NM_001013406.2, NM_001350669.1, NM_001350670.1); c.426_429del, p.Arg144fs (NM_001350671.1); c.1140_1143del, p.Arg382fs (NM_001350672.1, NM_001350673.1, NM_001350674.1 and 26 more transcripts); short protein forms R334fs, R144fs, R382fs.
Identifiers: ClinVar variation 1453933 (VCV001453933.6), dbSNP rs2131525596, ClinGen allele CA2573142414.